The following is an entry in ClinVar:

NM_000168.6(GLI3):c.421C>A (p.His141Asn)

Gene: GLI3 (GLI family zinc finger 3; minus strand). Cytogenetic location: 7p14.1.
Variant type: single nucleotide variant.
Coding change: c.421C>A on transcript NM_000168.6 (MANE Select); coding-DNA position 421, C replaced by A.
Protein change: p.His141Asn; replaces histidine 141 with asparagine.
Molecular consequence: missense variant.
Genome position (GRCh38, 1-based): chr7:42,076,804, G>T on the plus strand (C>A on the coding strand, the complement: GLI3 is on the minus strand). VCF-style: chr7-42076804-G-T. GRCh37 (hg19) VCF-style: chr7-42116403-G-T.
Other names: short protein forms H141N.
Identifiers: ClinVar variation 3029896 (VCV003029896.2), dbSNP rs1562716738, ClinGen allele CA367550037.

ClinVar aggregate classification (germline): Uncertain significance (0 of 4 stars; one submission).

Conditions:
GLI3-related disorder. Also called: GLI3-related condition; GLI3-related disorders. Identifiers: MedGen CN239292.

Submission:

PreventionGenetics, part of Exact Sciences
Classification: Uncertain significance for GLI3-related condition. Last evaluated: 2024-02-13. Review status: no assertion criteria provided. Collection method: clinical testing. Allele origin: germline.
Comment: The GLI3 c.421C>A variant is predicted to result in the amino acid substitution p.His141Asn. To our knowledge, this variant has not been reported in the literature or in a large population database, indicating this variant is rare. At this time, the clinical significance of this variant is uncertain due to the absence of conclusive functional and genetic evidence.